The following is an entry in ClinVar:

NM_016277.5(RAB23):c.526C>T (p.Gln176Ter)

Gene: RAB23 (RAB23, member RAS oncogene family; minus strand). Cytogenetic location: 6p12.1.
Variant type: single nucleotide variant.
Coding change: c.526C>T on transcript NM_016277.5 (MANE Select); coding-DNA position 526, C replaced by T.
Protein change: p.Gln176Ter; replaces glutamine 176 with a stop codon.
Molecular consequence: nonsense. On other transcripts: non-coding transcript variant (1).
Genome position (GRCh38, 1-based): chr6:57,193,890, G>A on the plus strand (C>T on the coding strand, the complement: RAB23 is on the minus strand). VCF-style: chr6-57193890-G-A. GRCh37 (hg19) VCF-style: chr6-57058688-G-A.
Other names: c.526C>T, p.Gln176Ter (NM_001278666.2, NM_001278667.2, NM_001278668.2 and 1 more transcripts); short protein forms Q176*.
Identifiers: ClinVar variation 1366841 (VCV001366841.6), dbSNP rs2127997677, ClinGen allele CA364625943.

ClinVar aggregate classification (germline): Pathogenic (1 of 4 stars; one submission).

Conditions:
Carpenter syndrome. Identifiers: Orphanet 65759, MedGen C1275078, MONDO:0019012.

Submission:

Labcorp Genetics (formerly Invitae), Labcorp
Classification: Pathogenic for Carpenter syndrome. Last evaluated: 2021-03-24. Review status: criteria provided, single submitter. Criteria: Invitae Variant Classification Sherloc (09022015). Collection method: clinical testing. Allele origin: germline.
Comment: This sequence change creates a premature translational stop signal (p.Gln176*) in the RAB23 gene. It is expected to result in an absent or disrupted protein product. Loss-of-function variants in RAB23 are known to be pathogenic (PMID: 17503333, 21412941). This variant is not present in population databases (ExAC no frequency). This variant has not been reported in the literature in individuals with RAB23-related conditions. For these reasons, this variant has been classified as Pathogenic.

Literature cited by the submitters: PubMed 17503333; PubMed 21412941.